The following is an entry in ClinVar:

ClinVar aggregate classification (germline): Uncertain significance (1 of 4 stars; one submission).

Conditions:
Fanconi anemia (FA). Also called: Fanconi's anemia. Identifiers: Orphanet 84, MedGen C0015625, MeSH D005199, MONDO:0019391.

Submission:

Labcorp Genetics (formerly Invitae), Labcorp
Classification: Uncertain significance for Fanconi anemia. Last evaluated: 2024-07-15. Review status: criteria provided, single submitter. Criteria: Invitae Variant Classification Sherloc (09022015). Collection method: clinical testing. Allele origin: germline.
Comment: This sequence change replaces aspartic acid, which is acidic and polar, with asparagine, which is neutral and polar, at codon 293 of the FANCD2 protein (p.Asp293Asn). This variant is present in population databases (no rsID available, gnomAD 0.004%). This variant has not been reported in the literature in individuals affected with FANCD2-related conditions. Advanced modeling of protein sequence and biophysical properties (such as structural, functional, and spatial information, amino acid conservation, physicochemical variation, residue mobility, and thermodynamic stability) performed at Invitae indicates that this missense variant is not expected to disrupt FANCD2 protein function with a negative predictive value of 80%. In summary, the available evidence is currently insufficient to determine the role of this variant in disease. Therefore, it has been classified as a Variant of Uncertain Significance.

NM_001018115.3(FANCD2):c.877G>A (p.Asp293Asn)

Genes: FANCD2 (FA complementation group D2; plus strand), LOC107303338 (3p25 FANCD2 Alu-mediated recombination region; plus strand). Cytogenetic location: 3p25.3.
Variant type: single nucleotide variant.
Coding change: c.877G>A on transcript NM_001018115.3 (MANE Select); coding-DNA position 877, G replaced by A.
Protein change: p.Asp293Asn; replaces aspartic acid 293 with asparagine.
Molecular consequence: missense variant.
Genome position (GRCh38, 1-based): chr3:10,042,652, G>A. VCF-style: chr3-10042652-G-A. GRCh37 (hg19) VCF-style: chr3-10084336-G-A.
Other names: c.877G>A, p.Asp293Asn (NM_001319984.2, NM_001374253.1, NM_001374254.1 and 1 more transcripts); short protein forms D293N.
Identifiers: ClinVar variation 3708020 (VCV003708020.2).